The following is an entry in ClinVar:

ClinVar aggregate classification (germline): Uncertain significance (1 of 4 stars; one submission).

Conditions:
46,XY sex reversal 7. Also called: 46,XY GONADAL DYSGENESIS, PARTIAL OR COMPLETE, DHH-RELATED; DHH-Related 46,XY complete gonadal dysgenesis; 46,XY SEX REVERSAL, PARTIAL OR COMPLETE, DHH-RELATED; GONADAL DYSGENESIS, XY, MALE-LIMITED. Identifiers: Orphanet 242, MedGen C1856273, MONDO:0009301, OMIM 233420.

Allele frequency attached by ClinVar (database versions not stated): gnomAD 0.00003 and 0.00004; gnomAD exomes 0.00009 and 0.00014; TOPMed 0.00009; ExAC 0.00029.

Submission:

Labcorp Genetics (formerly Invitae), Labcorp
Classification: Uncertain significance for 46,XY sex reversal 7. Last evaluated: 2023-08-04. Review status: criteria provided, single submitter. Criteria: Invitae Variant Classification Sherloc (09022015). Collection method: clinical testing. Allele origin: germline.
Comment: This sequence change replaces arginine, which is basic and polar, with glutamine, which is neutral and polar, at codon 27 of the DHH protein (p.Arg27Gln). This variant is present in population databases (rs779682957, gnomAD 0.06%). This variant has not been reported in the literature in individuals affected with DHH-related conditions. ClinVar contains an entry for this variant (Variation ID: 466304). Advanced modeling of protein sequence and biophysical properties (such as structural, functional, and spatial information, amino acid conservation, physicochemical variation, residue mobility, and thermodynamic stability) has been performed at Invitae for this missense variant, however the output from this modeling did not meet the statistical confidence thresholds required to predict the impact of this variant on DHH protein function. In summary, the available evidence is currently insufficient to determine the role of this variant in disease. Therefore, it has been classified as a Variant of Uncertain Significance.

NM_021044.4(DHH):c.80G>A (p.Arg27Gln)

Genes: DHH (desert hedgehog signaling molecule; minus strand), DHH-AS1 (DHH antisense RNA 1; plus strand). Cytogenetic location: 12q13.12.
Variant type: single nucleotide variant.
Coding change: c.80G>A on transcript NM_021044.4 (MANE Select); coding-DNA position 80, G replaced by A.
Protein change: p.Arg27Gln; replaces arginine 27 with glutamine.
Molecular consequence: missense variant.
Genome position (GRCh38, 1-based): chr12:49,094,433, C>T on the plus strand (G>A on the coding strand, the complement: DHH is on the minus strand). VCF-style: chr12-49094433-C-T. GRCh37 (hg19) VCF-style: chr12-49488216-C-T.
Other names: short protein forms R27Q.
Identifiers: ClinVar variation 466304 (VCV000466304.6), dbSNP rs779682957, ClinGen allele CA6549261.